The following is an entry in ClinVar:

ClinVar aggregate classification (germline): Likely benign. Review status: criteria provided, multiple submitters, no conflicts (2 of 4 stars). 2 submissions from 2 submitters: Likely benign (2). Last evaluated 2026-09-23.

Conditions:
Neurofibromatosis, type 1 (NF1). Also called: VON RECKLINGHAUSEN DISEASE; Peripheral type neurofibromatosis; Neurofibromatosis, type I; NEUROFIBROMATOSIS, TYPE I, SOMATIC. Identifiers: Orphanet 636, MedGen C0027831, MONDO:0018975, OMIM 162200. Disease mechanism: loss of function.

Allele frequency attached by ClinVar (database versions not stated): gnomAD exomes below 0.00001.
gnomAD v4.1: 1 of 1,610,858 alleles (0.000062%); highest among the groups gnomAD compares: Admixed American, 0.0017%; no homozygotes.

Submissions (2):

Myriad Genetics, Inc.
Classification: Likely benign for Neurofibromatosis, type 1. Last evaluated: 2026-09-23. Review status: criteria provided, single submitter. Criteria: Myriad Autosomal Dominant, Autosomal Recessive and X-Linked Classification Criteria (2023). Collection method: clinical testing. Allele origin: unknown.
Comment: This variant is considered likely benign. This variant is intronic and is not expected to impact mRNA splicing.

Labcorp Genetics (formerly Invitae), Labcorp
Classification: Likely benign for Neurofibromatosis, type 1. Last evaluated: 2022-03-21. Review status: criteria provided, single submitter. Criteria: Invitae Variant Classification Sherloc (09022015). Collection method: clinical testing. Allele origin: germline.

NM_001042492.3(NF1):c.1641+9A>G

Gene: NF1 (neurofibromin 1; plus strand). Cytogenetic location: 17q11.2.
Variant type: single nucleotide variant.
Coding change: c.1641+9A>G on transcript NM_001042492.3 (MANE Select); 9 bases into the intron after coding-DNA position 1641, A replaced by G.
Molecular consequence: intron variant.
Genome position (GRCh38, 1-based): chr17:31,219,127, A>G. VCF-style: chr17-31219127-A-G. GRCh37 (hg19) VCF-style: chr17-29546145-A-G.
Other names: c.1641+9A>G (NM_000267.4, NM_001128147.3).
Identifiers: ClinVar variation 1934540 (VCV001934540.6), dbSNP rs1339391272, ClinGen allele CA625468878.
Genomic context (GRCh38, chr17:31,219,127, plus strand): 5'-CCAACTGGTCCCTCAGTCACACATGCCAGAGATTGCTCAGGAAGCAATGGAGGTAAGGGG[A>G]AAATGAATTCCATGTTCTTGAAGGAAAGATTGTAACTATGTACATTCATGATGTTCCTTT-3'